The following is an entry in ClinVar:

ClinVar aggregate classification (germline): Likely benign. Review status: criteria provided, multiple submitters, no conflicts (2 of 4 stars). 3 submissions from 3 submitters: Likely benign (3). Last evaluated 2025-01-15.

Conditions:
Neuronal ceroid lipofuscinosis. Also called: Neuronal Ceroid Lipofuscinoses. Identifiers: Orphanet 216, Orphanet 79263, MedGen C0027877, MONDO:0016295. Disease mechanism: loss of function.

Allele frequency attached by ClinVar (database versions not stated): gnomAD exomes 0.00003; TOPMed 0.00003; ExAC 0.00004.
gnomAD v4.1: 44 of 1,391,882 alleles (0.0032%); highest among the groups gnomAD compares: East Asian, 0.032%; no homozygotes.

Submissions (3):

Labcorp Genetics (formerly Invitae), Labcorp
Classification: Likely benign for Neuronal ceroid lipofuscinosis. Last evaluated: 2025-01-15. Review status: criteria provided, single submitter. Criteria: Invitae Variant Classification Sherloc (09022015). Collection method: clinical testing. Allele origin: germline.

Blueprint Genetics
Classification: Likely benign. Last evaluated: 2023-05-11. Review status: criteria provided, single submitter. Criteria: ACMG Guidelines, 2015. Collection method: clinical testing. Allele origin: germline.

GeneDx
Classification: Likely benign. Last evaluated: 2016-09-19. Review status: criteria provided, single submitter. Criteria: GeneDx Variant Classification (06012015). Collection method: clinical testing. Allele origin: germline. Affected: yes.
Comment: This variant is considered likely benign or benign based on one or more of the following criteria: it is a conservative change, it occurs at a poorly conserved position in the protein, it is predicted to be benign by multiple in silico algorithms, and/or has population frequency not consistent with disease.

NM_001909.5(CTSD):c.945C>T (p.Ile315=)

Gene: CTSD (cathepsin D; minus strand). Cytogenetic location: 11p15.5.
Variant type: single nucleotide variant.
Coding change: c.945C>T on transcript NM_001909.5 (MANE Select); coding-DNA position 945, C replaced by T.
Protein change: p.Ile315=; no amino-acid change (isoleucine 315 retained).
Molecular consequence: synonymous variant.
Genome position (GRCh38, 1-based): chr11:1,754,021, G>A on the plus strand (C>T on the coding strand, the complement: CTSD is on the minus strand). VCF-style: chr11-1754021-G-A. GRCh37 (hg19) VCF-style: chr11-1775251-G-A.
Identifiers: ClinVar variation 389329 (VCV000389329.11), dbSNP rs752172496, ClinGen allele CA5813994.